The following is an entry in ClinVar:

ClinVar aggregate classification (germline): Conflicting classifications of pathogenicity. Review status: criteria provided, conflicting classifications (1 of 4 stars). 2 submissions from 2 submitters: Uncertain significance (1); Likely benign (1). Last evaluated 2024-10-28.

Conditions:
Inborn genetic diseases. Identifiers: MedGen C0950123, MeSH D030342.
Neuronopathy, distal hereditary motor, type 7A. Also called: NEURONOPATHY, DISTAL HEREDITARY MOTOR, HARDING TYPE VIIA; NEUROPATHY, DISTAL HEREDITARY MOTOR, HARDING TYPE VIIA; Neuronopathy, distal hereditary motor, autosomal dominant 7; HARPER-YOUNG MYOPATHY; HMN VIIA; SPINAL MUSCULAR ATROPHY, DISTAL, WITH VOCAL CORD PARALYSIS. Identifiers: Orphanet 139589, MedGen C1834703, MONDO:0008024, OMIM 158580.
Congenital myasthenic syndrome 20. Also called: Myasthenic syndrome, congenital, 20, presynaptic. Identifiers: MedGen C4310694, MONDO:0014939, OMIM 617143.

Allele frequency attached by ClinVar (database versions not stated): TOPMed 0.00001; gnomAD 0.00002 and 0.00003.
gnomAD v4.1: 6 of 1,613,436 alleles (0.00037%); highest among the groups gnomAD compares: Admixed American, 0.0017%; no homozygotes.

Submissions (2):

Ambry Genetics
Classification: Likely benign for Inborn genetic diseases. Last evaluated: 2024-10-28. Review status: criteria provided, single submitter. Criteria: Ambry Variant Classification Scheme 2023. Collection method: clinical testing. Allele origin: germline.

Labcorp Genetics (formerly Invitae), Labcorp
Classification: Uncertain significance for Neuronopathy, distal hereditary motor, type 7A; Congenital myasthenic syndrome 20. Last evaluated: 2022-07-05. Review status: criteria provided, single submitter. Criteria: Invitae Variant Classification Sherloc (09022015). Collection method: clinical testing. Allele origin: germline.
Comment: This sequence change replaces glutamine, which is neutral and polar, with lysine, which is basic and polar, at codon 325 of the SLC5A7 protein (p.Gln325Lys). This variant is not present in population databases (gnomAD no frequency). This variant has not been reported in the literature in individuals affected with SLC5A7-related conditions. ClinVar contains an entry for this variant (Variation ID: 650165). Algorithms developed to predict the effect of missense changes on protein structure and function output the following: SIFT: "Tolerated"; PolyPhen-2: "Benign"; Align-GVGD: "Class C0". The lysine amino acid residue is found in multiple mammalian species, which suggests that this missense change does not adversely affect protein function. In summary, the available evidence is currently insufficient to determine the role of this variant in disease. Therefore, it has been classified as a Variant of Uncertain Significance.

NM_021815.5(SLC5A7):c.973C>A (p.Gln325Lys)

Gene: SLC5A7 (solute carrier family 5 member 7; plus strand). Cytogenetic location: 2q12.3.
Variant type: single nucleotide variant.
Coding change: c.973C>A on transcript NM_021815.5 (MANE Select); coding-DNA position 973, C replaced by A.
Protein change: p.Gln325Lys; replaces glutamine 325 with lysine.
Molecular consequence: missense variant.
Genome position (GRCh38, 1-based): chr2:108,008,542, C>A. VCF-style: chr2-108008542-C-A. GRCh37 (hg19) VCF-style: chr2-108624998-C-A.
Other names: c.973C>A, p.Gln325Lys (NM_001305005.3); c.658C>A, p.Gln220Lys (NM_001305006.3); c.232C>A, p.Gln78Lys (NM_001305007.3); short protein forms Q220K, Q78K, Q325K.
Identifiers: ClinVar variation 650165 (VCV000650165.7), dbSNP rs1191969326, ClinGen allele CA348113550.